The following is an entry in ClinVar:

NC_000005.9:g.(?_482643)_(1895829_?)del

Genes: ZDHHC11 (zDHHC palmitoyltransferase 11; minus strand), ZDHHC11B (zDHHC palmitoyltransferase 11B (putative); minus strand), CLPTM1L (CLPTM1 like), IRX4 (iroquois homeobox 4; minus strand), MRPL36 (mitochondrial ribosomal protein L36; minus strand) and 13 more. Cytogenetic location: 5p15.33.
Variant type: Deletion.
Identifiers: ClinVar variation 2427644 (VCV002427644.5).

ClinVar aggregate classification (germline): Pathogenic (1 of 4 stars; one submission).

Conditions:
Idiopathic Pulmonary Fibrosis. Also called: Idiopathic fibrosing alveolitis, chronic form; idiopathic fibrosing alveolitis. Identifiers: Orphanet 2032, MedGen C1800706, MeSH D054990, MONDO:0800504.
Dyskeratosis congenita, autosomal dominant 2. Identifiers: MedGen C3151443, MONDO:0013521, OMIM 613989.

Submission:

Labcorp Genetics (formerly Invitae), Labcorp
Classification: Pathogenic for Dyskeratosis congenita, autosomal dominant 2; Idiopathic Pulmonary Fibrosis. Last evaluated: 2022-10-14. Review status: criteria provided, single submitter. Criteria: Invitae Variant Classification Sherloc (09022015). Collection method: clinical testing. Allele origin: germline.
Comment: A gross deletion of the genomic region encompassing the full coding sequence of the TERT gene has been identified. Loss-of-function variants in TERT are known to be pathogenic (PMID: 16247010, 17460043). The boundaries of this event are unknown as they extend beyond the assayed region for this gene and therefore may encompass additional genes. A similar copy number variant has been observed in individual(s) with Cri du Chat syndrome (PMID: 12629597). For these reasons, this variant has been classified as Pathogenic.

Literature cited by the submitters: PubMed 16247010; PubMed 17460043; PubMed 12629597.